The following is an entry in ClinVar:

ClinVar aggregate classification (germline): Uncertain significance (1 of 4 stars; one submission).

Submission:

Labcorp Genetics (formerly Invitae), Labcorp
Classification: Uncertain significance. Last evaluated: 2022-10-16. Review status: criteria provided, single submitter. Criteria: Invitae Variant Classification Sherloc (09022015). Collection method: clinical testing. Allele origin: germline.
Comment: In summary, the available evidence is currently insufficient to determine the role of this variant in disease. Therefore, it has been classified as a Variant of Uncertain Significance. Algorithms developed to predict the effect of missense changes on protein structure and function (SIFT, PolyPhen-2, Align-GVGD) all suggest that this variant is likely to be tolerated. This variant has not been reported in the literature in individuals affected with SEMA3A-related conditions. This variant is not present in population databases (gnomAD no frequency). This sequence change replaces glycine, which is neutral and non-polar, with arginine, which is basic and polar, at codon 25 of the SEMA3A protein (p.Gly25Arg).

NM_006080.3(SEMA3A):c.73G>A (p.Gly25Arg)

Gene: SEMA3A (semaphorin 3A; minus strand). Cytogenetic location: 7q21.11.
Variant type: single nucleotide variant.
Coding change: c.73G>A on transcript NM_006080.3 (MANE Select); coding-DNA position 73, G replaced by A.
Protein change: p.Gly25Arg; replaces glycine 25 with arginine.
Molecular consequence: missense variant.
Genome position (GRCh38, 1-based): chr7:84,194,514, C>T on the plus strand (G>A on the coding strand, the complement: SEMA3A is on the minus strand). VCF-style: chr7-84194514-C-T. GRCh37 (hg19) VCF-style: chr7-83823830-C-T.
Other names: short protein forms G25R.
Identifiers: ClinVar variation 1923986 (VCV001923986.5), dbSNP rs2535473097, ClinGen allele CA368021779.